The following is an entry in ClinVar:

ClinVar aggregate classification (germline): Uncertain significance. Review status: criteria provided, multiple submitters, no conflicts (2 of 4 stars). 2 submissions from 2 submitters: Uncertain significance (2). Last evaluated 2025-04-29.

Conditions:
Early-infantile DEE. Also called: Early infantile epileptic encephalopathy with suppression bursts; Early infantile epileptic encephalopathy; Ohtahara syndrome. Identifiers: Orphanet 1934, MedGen C0393706, MONDO:0800491.

Allele frequency attached by ClinVar (database versions not stated): gnomAD exomes below 0.00001; TOPMed 0.00002; gnomAD 0.00001.
gnomAD v4.1: 6 of 1,537,412 alleles (0.00039%); highest among the groups gnomAD compares: Admixed American, 0.0039%; no homozygotes.

Submissions (2):

Labcorp Genetics (formerly Invitae), Labcorp
Classification: Uncertain significance for Early-infantile DEE. Last evaluated: 2025-04-29. Review status: criteria provided, single submitter. Criteria: Invitae Variant Classification Sherloc (09022015). Collection method: clinical testing. Allele origin: germline.
Comment: This sequence change creates a premature translational stop signal (p.Gln960*) in the KCNH5 gene. While this is not anticipated to result in nonsense mediated decay, it is expected to disrupt the last 29 amino acid(s) of the KCNH5 protein. This variant is not present in population databases (gnomAD no frequency). This variant has not been reported in the literature in individuals affected with KCNH5-related conditions. ClinVar contains an entry for this variant (Variation ID: 3233984). Experimental studies and prediction algorithms are not available or were not evaluated, and the functional significance of this variant is currently unknown. In summary, the available evidence is currently insufficient to determine the role of this variant in disease. Therefore, it has been classified as a Variant of Uncertain Significance.

Women's Health and Genetics/Laboratory Corporation of America, LabCorp
Classification: Uncertain significance. Last evaluated: 2024-03-13. Review status: criteria provided, single submitter. Criteria: LabCorp Variant Classification Summary - May 2015. Collection method: clinical testing. Allele origin: germline.
Comment: Variant summary: KCNH5 c.2878C>T (p.Gln960X) results in a premature termination codon, predicted to cause a truncation of the encoded protein or absence of the protein due to nonsense mediated decay, however the molecular mechanism of disease attributed to KCNH5 is currently unknown. The variant was absent in 200394 control chromosomes (gnomAD). The available data on variant occurrences in the general population are insufficient to allow any conclusion about variant significance. To our knowledge, no occurrence of c.2878C>T in individuals affected with Developmental And Epileptic Encephalopathy-112 and no experimental evidence demonstrating its impact on protein function have been reported. No submitters have cited clinical-significance assessments for this variant to ClinVar. Based on the evidence outlined above, the variant was classified as uncertain significance.

NM_139318.5(KCNH5):c.2878C>T (p.Gln960Ter)

Gene: KCNH5 (potassium voltage-gated channel subfamily H member 5; minus strand). Cytogenetic location: 14q23.2.
Variant type: single nucleotide variant.
Coding change: c.2878C>T on transcript NM_139318.5 (MANE Select); coding-DNA position 2878, C replaced by T.
Protein change: p.Gln960Ter; replaces glutamine 960 with a stop codon.
Molecular consequence: nonsense. On other transcripts: 3 prime UTR variant (1).
Genome position (GRCh38, 1-based): chr14:62,707,597, G>A on the plus strand (C>T on the coding strand, the complement: KCNH5 is on the minus strand). VCF-style: chr14-62707597-G-A. GRCh37 (hg19) VCF-style: chr14-63174315-G-A.
Other names: c.*845C>T (NM_172375.3); short protein forms Q960*.
Identifiers: ClinVar variation 3233984 (VCV003233984.4), dbSNP rs1884460917, ClinGen allele CA390099635.